The following is an entry in ClinVar:

ClinVar aggregate classification (germline): Pathogenic (1 of 4 stars; one submission).

Conditions:
Carnitine palmitoyltransferase II deficiency. Also called: Carnitine Palmitoyltransferase 2 Deficiency. Identifiers: Orphanet 157, MedGen C0342790, MONDO:0015515.

Allele frequency attached by ClinVar (database versions not stated): gnomAD exomes below 0.00001.
gnomAD v4.1: 1 of 1,614,190 alleles (0.000062%); highest among the groups gnomAD compares: Non-Finnish European, 0.000085%; no homozygotes.

Submission:

Labcorp Genetics (formerly Invitae), Labcorp
Classification: Pathogenic for Carnitine palmitoyltransferase II deficiency. Last evaluated: 2022-03-06. Review status: criteria provided, single submitter. Criteria: Invitae Variant Classification Sherloc (09022015). Collection method: clinical testing. Allele origin: germline.
Comment: This sequence change creates a premature translational stop signal (p.Trp351*) in the CPT2 gene. It is expected to result in an absent or disrupted protein product. Loss-of-function variants in CPT2 are known to be pathogenic (PMID: 16781677, 16996287). This variant is not present in population databases (gnomAD no frequency). This variant has not been reported in the literature in individuals affected with CPT2-related conditions. ClinVar contains an entry for this variant (Variation ID: 962889). For these reasons, this variant has been classified as Pathogenic.

Literature cited by the submitters: PubMed 16781677; PubMed 16996287.

NM_000098.3(CPT2):c.1052G>A (p.Trp351Ter)

Gene: CPT2 (carnitine palmitoyltransferase 2; plus strand). Cytogenetic location: 1p32.3.
Variant type: single nucleotide variant.
Coding change: c.1052G>A on transcript NM_000098.3 (MANE Select); coding-DNA position 1052, G replaced by A.
Protein change: p.Trp351Ter; replaces tryptophan 351 with a stop codon.
Molecular consequence: nonsense.
Genome position (GRCh38, 1-based): chr1:53,210,726, G>A. VCF-style: chr1-53210726-G-A. GRCh37 (hg19) VCF-style: chr1-53676398-G-A.
Other names: c.1052G>A, p.Trp351Ter (NM_001330589.2); short protein forms W351*.
Identifiers: ClinVar variation 962889 (VCV000962889.7), dbSNP rs1645419457, ClinGen allele CA340394409.